The following is an entry in ClinVar:

ClinVar aggregate classification (germline): Pathogenic/Likely pathogenic. Review status: criteria provided, multiple submitters, no conflicts (2 of 4 stars). 2 submissions from 2 submitters: Pathogenic (1); Likely pathogenic (1). Last evaluated 2017-09-13.

Conditions:
Epidermolysis bullosa simplex 5B, with muscular dystrophy (EBS5B). Also called: EPIDERMOLYSIS BULLOSA SIMPLEX AND LIMB-GIRDLE MUSCULAR DYSTROPHY; Epidermolysis bullosa simplex with muscular dystrophy. Identifiers: Orphanet 257, MedGen C2931072, MONDO:0009181, OMIM 226670.
Epidermolysis bullosa simplex, Ogna type (EBS5A). Also called: Pidermolysis bullosa simplex 5A, Ogna type; EPIDERMOLYSIS BULLOSA SIMPLEX 5A, OGNA TYPE. Identifiers: Orphanet 79401, MedGen C0432317, MONDO:0007555, OMIM 131950.
Autosomal recessive limb-girdle muscular dystrophy type 2Q (LGMDR17). Also called: MUSCULAR DYSTROPHY, LIMB-GIRDLE, AUTOSOMAL RECESSIVE 17. Identifiers: Orphanet 254361, MedGen C3150989, MONDO:0013390, OMIM 613723.
Epidermolysis bullosa simplex 5C, with pyloric atresia (EBS5C). Also called: Epidermolysis bullosa simplex with pyloric atresia; PLEC1-Related Epidermolysis Bullosa with Pyloric Atresia; PLEC-Related Epidermolysis Bullosa with Pyloric Atresia. Identifiers: Orphanet 158684, MedGen C2677349, MONDO:0012807, OMIM 612138.
Epidermolysis bullosa simplex with nail dystrophy (EBS5D). Identifiers: MedGen C4225309, MONDO:0014661, OMIM 616487.

Submissions (2):

Labcorp Genetics (formerly Invitae), Labcorp
Classification: Likely pathogenic for Autosomal recessive limb-girdle muscular dystrophy type 2Q; Epidermolysis bullosa simplex, Ogna type; Epidermolysis bullosa simplex with nail dystrophy; Epidermolysis bullosa simplex 5C, with pyloric atresia; Epidermolysis bullosa simplex 5B, with muscular dystrophy. Last evaluated: 2017-09-13. Review status: criteria provided, single submitter. Criteria: Invitae Variant Classification Sherloc (09022015). Collection method: clinical testing. Allele origin: germline.
Comment: This sequence change results in a premature translational stop signal in the PLEC gene (p.Gln3028*). While this is not anticipated to result in nonsense mediated decay, it is expected to delete the last 1,547 amino acids of the PLEC protein. This variant is not present in population databases (ExAC no frequency). This variant has not been reported in the literature in individuals with PLEC-related disease. Several downstream variants, also resulting in a premature translational stop signal, have been identified in the compound heterozygous state with other pathogenic PLEC variants in individuals affected with epidermolysis bullosa (EB), which explains the cause for recessive disease in these individuals. Further, it suggests that truncations in this region of the protein, while not resulting in nonsense mediated decay, are likely to be pathogenic (PMID: 23289980, 10652002). In summary, the currently available evidence indicates that the variant is pathogenic, but additional data are needed to prove that conclusively. Therefore, this variant has been classified as Likely Pathogenic.

Eurofins Ntd Llc (ga)
Classification: Pathogenic. Last evaluated: 2017-01-20. Review status: criteria provided, single submitter. Criteria: EGL Classification Definitions 2015. Collection method: clinical testing. Allele origin: germline. Observed: 1 variant allele, 1 heterozygote.

Literature cited by the submitters: PubMed 10652002 (cited by Labcorp Genetics (formerly Invitae), Labcorp); PubMed 23289980 (cited by Labcorp Genetics (formerly Invitae), Labcorp).

NM_201384.3(PLEC):c.9000_9001delinsTT (p.Gln3001Ter)

Gene: PLEC (plectin; minus strand). Cytogenetic location: 8q24.3.
Variant type: Indel.
Coding change: c.9000_9001delinsTT on transcript NM_201384.3 (MANE Select); coding-DNA positions 9000 to 9001, GC replaced by TT.
Protein change: p.Gln3001Ter; replaces glutamine 3001 with a stop codon.
Molecular consequence: nonsense.
Genome position (GRCh38, 1-based): chr8:143,920,820-143,920,821, GC replaced by AA on the plus strand (GC replaced by TT on the coding strand, the reverse complement: PLEC is on the minus strand). VCF-style: chr8-143920820-GC-AA. GRCh37 (hg19) VCF-style: chr8-144994988-GC-AA.
Other names: c.9081_9082delinsTT, p.Gln3028Ter (NM_000445.5); c.8958_8959delinsTT, p.Gln2987Ter (NM_201378.4); c.8934_8935delinsTT, p.Gln2979Ter (NM_201379.3); c.9411_9412delinsTT, p.Gln3138Ter (NM_201380.4); c.8904_8905delinsTT, p.Gln2969Ter (NM_201381.3); c.9000_9001delinsTT, p.Gln3001Ter (NM_201382.4); c.9012_9013delinsTT, p.Gln3005Ter (NM_201383.3); short protein forms Q3001*, Q3005*, Q2969*, Q2987*, Q3028*, Q2979*, Q3138*.
Identifiers: ClinVar variation 499702 (VCV000499702.5), dbSNP rs1554683108, ClinGen allele CA658797162.